The following is an entry in ClinVar:

NM_012472.6(DNAAF11):c.354_355del (p.Phe119fs)

Gene: DNAAF11 (dynein axonemal assembly factor 11; minus strand). Cytogenetic location: 8q24.22.
Variant type: Microsatellite.
Coding change: c.354_355del on transcript NM_012472.6 (MANE Select); coding-DNA positions 354 to 355, 2 bases deleted (CT; older notation c.354_355delCT).
Protein change: p.Phe119fs; shifts the reading frame from phenylalanine 119.
Molecular consequence: frameshift variant. On other transcripts: 5 prime UTR variant (4), non-coding transcript variant (10).
Genome position (GRCh38, 1-based): chr8:132,638,009-132,638,010, AG deleted on the plus strand (CT on the coding strand, the reverse complement: DNAAF11 is on the minus strand); deleting any 2 consecutive bases within chr8:132,638,009-132,638,012 gives the same sequence; the c. name uses the placement nearest the transcript's 3' end. VCF-style (leftmost placement, unchanged base first): chr8-132638008-AAG-A. GRCh37 (hg19) VCF-style: chr8-133650254-AAG-A.
Other names: c.354_355del, p.Phe119fs (NM_001321961.2); c.108_109del, p.Phe37fs (NM_001321962.2); c.-9CT[1] (NM_001321963.2, NM_001321964.2, NM_001321965.2 and 1 more transcripts); short protein forms F119fs, F37fs.
Identifiers: ClinVar variation 977554 (VCV000977554.8), dbSNP rs1821475039, ClinGen allele CA1139771923.
Genomic context (GRCh38, chr8:132,638,008, plus strand): 5'-AGAGTTGCTACCACGAACTCCCTATAGTGGTCAAAGGAAGCACATGGGTTCCCCATGAGA[AAG>A]AGCTCCTTCAGATGGATATTGTGCTGCAAGTTTTTAATGCTGCTCAGCTCTCCAATGAAA-3'

ClinVar aggregate classification (germline): Pathogenic/Likely pathogenic. Review status: criteria provided, multiple submitters, no conflicts (2 of 4 stars). 3 submissions from 3 submitters: Pathogenic (2); Likely pathogenic (1). Last evaluated 2025-09-02.

Conditions:
Primary ciliary dyskinesia 19. Also called: CILIARY DYSKINESIA, PRIMARY, 19, WITH OR WITHOUT SITUS INVERSUS. Identifiers: Orphanet 244, MedGen C3543826, MONDO:0013979, OMIM 614935.
Primary ciliary dyskinesia. Also called: Ciliary dyskinesia. Identifiers: Orphanet 244, MedGen C0008780, MONDO:0016575, HP:0012265.

Submissions (3):

Labcorp Genetics (formerly Invitae), Labcorp
Classification: Pathogenic for Primary ciliary dyskinesia 19. Last evaluated: 2025-09-02. Review status: criteria provided, single submitter. Criteria: Invitae Variant Classification Sherloc (09022015). Collection method: clinical testing. Allele origin: germline.
Comment: This sequence change creates a premature translational stop signal (p.Phe119Serfs*10) in the LRRC6 gene. It is expected to result in an absent or disrupted protein product. Loss-of-function variants in LRRC6 are known to be pathogenic (PMID: 23122589). This variant is not present in population databases (gnomAD no frequency). This variant has not been reported in the literature in individuals affected with LRRC6-related conditions. For these reasons, this variant has been classified as Pathogenic.

Department of Genetics, Sultan Qaboos University Hospital
Classification: Pathogenic for Primary ciliary dyskinesia. Last evaluated: 2025-08-15. Review status: criteria provided, single submitter. Criteria: ACMG Guidelines, 2015. Collection method: research. Allele origin: germline. Affected: yes.

UNC Molecular Genetics  Laboratory, University of North Carolina at Chapel Hill
Classification: Likely pathogenic for Primary ciliary dyskinesia. Last evaluated: 2020-05-28. Review status: criteria provided, single submitter. Criteria: ACMG Guidelines, 2015. Collection method: clinical testing. Allele origin: germline. Observed: 1 heterozygote.

Literature cited by the submitters: PubMed 23122589 (cited by Labcorp Genetics (formerly Invitae), Labcorp).